The following is an entry in ClinVar:

NM_001987.5(ETV6):c.1095C>T (p.Ser365=)

Genes: ETV6 (ETS variant transcription factor 6; plus strand), LOC126861452 (CDK7 strongly-dependent group 2 enhancer GRCh37_chr12:12037195-12038394; plus strand). Cytogenetic location: 12p13.2.
Variant type: single nucleotide variant.
Coding change: c.1095C>T on transcript NM_001987.5 (MANE Select); coding-DNA position 1095, C replaced by T.
Protein change: p.Ser365=; no amino-acid change (serine 365 retained).
Molecular consequence: synonymous variant. On other transcripts: intron variant (1).
Genome position (GRCh38, 1-based): chr12:11,884,530, C>T. VCF-style: chr12-11884530-C-T. GRCh37 (hg19) VCF-style: chr12-12037464-C-T.
Other names: c.1092C>T, p.Ser364= (NM_001413913.1); c.1068C>T, p.Ser356= (NM_001413914.1); c.831C>T, p.Ser277= (NM_001413915.1); c.1010-6411C>T (NM_001413917.1).
Identifiers: ClinVar variation 2893100 (VCV002893100.6), dbSNP rs369012954, ClinGen allele CA6454401.

ClinVar aggregate classification (germline): Conflicting classifications of pathogenicity. Review status: criteria provided, conflicting classifications (1 of 4 stars). 4 submissions from 4 submitters: Uncertain significance (1); Likely benign (3). Last evaluated 2025-01-05.

Conditions:
Inborn genetic diseases. Identifiers: MedGen C0950123, MeSH D030342.

Allele frequency attached by ClinVar (database versions not stated): gnomAD exomes 0.00001; TOPMed 0.00001; ExAC 0.00002; gnomAD 0.00003; ESP Exome Variant Server 0.00008.
gnomAD v4.1: 15 of 1,614,032 alleles (0.00093%); highest among the groups gnomAD compares: Admixed American, 0.005%; no homozygotes.

Submissions (4):

Labcorp Genetics (formerly Invitae), Labcorp
Classification: Likely benign. Last evaluated: 2025-01-05. Review status: criteria provided, single submitter. Criteria: Invitae Variant Classification Sherloc (09022015). Collection method: clinical testing. Allele origin: germline.

Ambry Genetics
Classification: Likely benign for Inborn genetic diseases. Last evaluated: 2024-12-20. Review status: criteria provided, single submitter. Criteria: Ambry Variant Classification Scheme 2023. Collection method: clinical testing. Allele origin: germline.

GeneDx
Classification: Uncertain significance. Last evaluated: 2024-04-09. Review status: criteria provided, single submitter. Criteria: GeneDx Variant Classification Process June 2021. Collection method: clinical testing. Allele origin: germline. Affected: yes.
Comment: Not observed at significant frequency in large population cohorts (gnomAD); In silico analysis indicates that this variant does not alter splicing; Has not been previously published as pathogenic or benign to our knowledge

Blueprint Genetics
Classification: Likely benign. Last evaluated: 2023-09-20. Review status: criteria provided, single submitter. Criteria: ACMG Guidelines, 2015. Collection method: clinical testing. Allele origin: germline.